The following is an entry in ClinVar:

NM_005475.3(SH2B3):c.269G>A (p.Arg90Gln)

Gene: SH2B3 (SH2B adaptor protein 3; plus strand). Cytogenetic location: 12q24.12.
Variant type: single nucleotide variant.
Coding change: c.269G>A on transcript NM_005475.3 (MANE Select); coding-DNA position 269, G replaced by A.
Protein change: p.Arg90Gln; replaces arginine 90 with glutamine.
Molecular consequence: missense variant.
Genome position (GRCh38, 1-based): chr12:111,418,414, G>A. VCF-style: chr12-111418414-G-A. GRCh37 (hg19) VCF-style: chr12-111856218-G-A.
Other names: short protein forms R90Q.
Identifiers: ClinVar variation 4163934 (VCV004163934.1).

ClinVar aggregate classification (germline): Uncertain significance (1 of 4 stars; one submission).

Conditions:
Inborn genetic diseases. Identifiers: MedGen C0950123, MeSH D030342.

Submission:

Ambry Genetics
Classification: Uncertain significance for Inborn genetic diseases. Last evaluated: 2025-07-05. Review status: criteria provided, single submitter. Criteria: Ambry Variant Classification Scheme 2023. Collection method: clinical testing. Allele origin: germline.
Comment: The p.R90Q variant (also known as c.269G>A), located in coding exon 1 of the SH2B3 gene, results from a G to A substitution at nucleotide position 269. The arginine at codon 90 is replaced by glutamine, an amino acid with highly similar properties. This amino acid position is conserved. In addition, this alteration is predicted to be tolerated by in silico analysis. Based on the available evidence, the clinical significance of this variant remains unclear.